The following is an entry in ClinVar:

ClinVar aggregate classification (germline): Benign/Likely benign. Review status: criteria provided, multiple submitters, no conflicts (2 of 4 stars). 6 submissions from 6 submitters: Benign (1); Likely benign (5). Last evaluated 2025-12-19.

Conditions:
Hereditary cancer-predisposing syndrome. Also called: Neoplastic Syndromes, Hereditary; Hereditary neoplastic syndrome; Tumor predisposition; Hereditary Cancer Syndrome. Identifiers: Orphanet 140162, MedGen C0027672, MeSH D009386, MONDO:0015356.
Ataxia-telangiectasia syndrome (AT). Also called: Ataxia telangiectasia (A-T); Cerebello-oculocutaneous telangiectasia; Immunodeficiency with ataxia telangiectasia; LOUIS-BAR SYNDROME; AT, COMPLEMENTATION GROUP C; ATAXIA-TELANGIECTASIA, FRESNO VARIANT. Identifiers: Orphanet 100, MedGen C0004135, MONDO:0008840, OMIM 208900.
Familial cancer of breast. Also called: hereditary breast carcinoma; Hereditary breast cancer; BREAST CANCER, FAMILIAL. Identifiers: Orphanet 227535, MedGen C0346153, MONDO:0016419, OMIM 114480. Disease mechanism: loss of function.

Allele frequency attached by ClinVar (database versions not stated): gnomAD 0.00004; gnomAD exomes 0.00001 and below 0.00001; TOPMed 0.00003; ExAC 0.00001.
gnomAD v4.1: 9 of 1,613,640 alleles (0.00056%); highest among the groups gnomAD compares: African/African-American, 0.012%; no homozygotes.

Submissions (6):

Labcorp Genetics (formerly Invitae), Labcorp
Classification: Likely benign for Ataxia-telangiectasia syndrome. Last evaluated: 2025-12-19. Review status: criteria provided, single submitter. Criteria: Invitae Variant Classification Sherloc (09022015). Collection method: clinical testing. Allele origin: germline.

Myriad Genetics, Inc.
Classification: Benign for Familial cancer of breast. Last evaluated: 2024-06-17. Review status: criteria provided, single submitter. Criteria: Myriad Autosomal Dominant, Autosomal Recessive and X-Linked Classification Criteria (2023). Collection method: clinical testing. Allele origin: unknown.
Comment: This variant is considered benign. This variant is a silent/synonymous amino acid change and it is not expected to impact splicing.

Women's Health and Genetics/Laboratory Corporation of America, LabCorp
Classification: Likely benign. Last evaluated: 2022-04-01. Review status: criteria provided, single submitter. Criteria: LabCorp Variant Classification Summary - May 2015. Collection method: clinical testing. Allele origin: germline.

ARUP Laboratories, Molecular Genetics and Genomics, ARUP Laboratories
Classification: Likely benign. Last evaluated: 2021-05-22. Review status: criteria provided, single submitter. Criteria: ARUP Molecular Germline Variant Investigation Process 2021. Collection method: clinical testing. Allele origin: germline.

Color Diagnostics, LLC DBA Color Health
Classification: Likely benign for Hereditary cancer-predisposing syndrome. Last evaluated: 2018-12-10. Review status: criteria provided, single submitter. Criteria: ACMG Guidelines, 2015. Collection method: clinical testing. Allele origin: germline.

Ambry Genetics
Classification: Likely benign for Hereditary cancer-predisposing syndrome. Last evaluated: 2015-12-14. Review status: criteria provided, single submitter. Criteria: Ambry Variant Classification Scheme 2023. Collection method: clinical testing. Allele origin: germline.

NM_000051.4(ATM):c.7779G>A (p.Gln2593=)

Genes: C11orf65 (chromosome 11 open reading frame 65; minus strand), ATM (ATM serine/threonine kinase; plus strand). Cytogenetic location: 11q22.3.
Variant type: single nucleotide variant.
Coding change: c.7779G>A on transcript NM_000051.4 (MANE Select); coding-DNA position 7779, G replaced by A.
Protein change: p.Gln2593=; no amino-acid change (glutamine 2593 retained).
Molecular consequence: synonymous variant. On other transcripts: intron variant (2).
Genome position (GRCh38, 1-based): chr11:108,332,028, G>A. VCF-style: chr11-108332028-G-A. GRCh37 (hg19) VCF-style: chr11-108202755-G-A.
Other names: c.7779G>A, p.Gln2593= (NM_001351834.2); c.641-22957C>T (NM_001330368.2); c.*38+3192C>T (NM_001351110.2).
Identifiers: ClinVar variation 215595 (VCV000215595.24), dbSNP rs770321620, ClinGen allele CA335991.
Genomic context (GRCh38, chr11:108,332,028, plus strand): 5'-TAAACCAGAGGTAGCCAGAAGAAGCAGAATAACTAAAAATGTGCCTAAACAAAGCTCTCA[G>A]CTTGATGAGGTATTTGGATTAAACATACGTACCTTTTAGAAGTGTGATATTCAGTCTTTC-3'
Protein context (NP_000042.3, residues 2583-2603): ITKNVPKQSS[Gln2593=]LDEDRTEAAN